The following is an entry in ClinVar:

ClinVar aggregate classification (germline): Likely benign (1 of 4 stars; one submission).

gnomAD v4.1: 30 of 1,551,448 alleles (0.0019%); highest among the groups gnomAD compares: Admixed American, 0.055%; no homozygotes.

Submission:

CeGaT Center for Human Genetics Tuebingen
Classification: Likely benign. Last evaluated: 2026-08-01. Review status: criteria provided, single submitter. Criteria: CeGaT Center For Human Genetics Tuebingen Variant Classification Criteria Version 2. Collection method: clinical testing. Allele origin: germline. Affected: yes. Observed: 1 variant allele.
Comment: KCTD1: BP4, BP7

NM_001142730.3(KCTD1):c.876G>A (p.Leu292=)

Gene: KCTD1 (potassium channel tetramerization domain containing 1; minus strand). Cytogenetic location: 18q11.2.
Variant type: single nucleotide variant.
Coding change: c.876G>A on transcript NM_001142730.3 (MANE Select); coding-DNA position 876, G replaced by A.
Protein change: p.Leu292=; no amino-acid change (leucine 292 retained).
Molecular consequence: synonymous variant. On other transcripts: intron variant (5).
Genome position (GRCh38, 1-based): chr18:26,547,661, C>T on the plus strand (G>A on the coding strand, the complement: KCTD1 is on the minus strand). VCF-style: chr18-26547661-C-T. GRCh37 (hg19) VCF-style: chr18-24127625-C-T.
Other names: c.10-46411G>A (NM_001258222.3); c.-15-46411G>A (NM_198991.4); c.-16+2068G>A (NM_001258221.2); c.-16+1583G>A (NM_001351443.1); c.-16+1230G>A (NM_001136205.2).
Identifiers: ClinVar variation 5039892 (VCV005039892.1).